The following is an entry in ClinVar:

NM_014314.4(RIGI):c.138CAA[1] (p.Asn47del)

Gene: RIGI (RNA sensor RIG-I; minus strand). Cytogenetic location: 9p21.1.
Variant type: Microsatellite.
Coding change: c.138CAA[1] on transcript NM_014314.4 (MANE Select); one copy of the 3-base unit CAA starting at c.138; the reference has two copies in a row; one copy, 3 bases deleted.
Protein change: p.Asn47del; deletes asparagine 47.
Molecular consequence: inframe deletion. On other transcripts: 5 prime UTR variant (3).
Genome position (GRCh38, 1-based): chr9:32,500,903-32,500,905, TTG deleted on the plus strand (CAA on the coding strand, the reverse complement: RIGI is on the minus strand); deleting any 3 consecutive bases within chr9:32,500,903-32,500,910 gives the same sequence; the position shown is the placement nearest the transcript's 3' end. VCF-style (leftmost placement, unchanged base first): chr9-32500902-CTTG-C. GRCh37 (hg19) VCF-style: chr9-32500900-CTTG-C.
Other names: c.138CAA[1], p.Asn47del (NM_001385909.1, NM_001385913.1, NM_001385907.1); c.-317CAA[1] (NM_001385910.1, NM_001385914.1); c.-324CAA[1] (NM_001385912.1); short protein forms N47del.
Identifiers: ClinVar variation 2978454 (VCV002978454.3), dbSNP rs750396858, ClinGen allele CA5020161.
Genomic context (GRCh38, chr9:32,500,902, plus strand): 5'-GCCTTCCTCCTGGAGCTCCAACAGGAACTTGAGAAAAAGTGTGGCAGCCTCCATTGGGCC[CTTG>C]TTGTTTTTCTCAGCCTGAATATACTGCACCTCTTCTACAAACAGAAGCAAAAATGACTCA-3'

ClinVar aggregate classification (germline): Uncertain significance (1 of 4 stars; one submission).

Submission:

Labcorp Genetics (formerly Invitae), Labcorp
Classification: Uncertain significance. Last evaluated: 2024-03-27. Review status: criteria provided, single submitter. Criteria: Invitae Variant Classification Sherloc (09022015). Collection method: clinical testing. Allele origin: germline.
Comment: This variant, c.141_143del, results in the deletion of 1 amino acid(s) of the DDX58 protein (p.Asn47del), but otherwise preserves the integrity of the reading frame. This variant is present in population databases (rs750396858, gnomAD 0.003%). This variant has not been reported in the literature in individuals affected with DDX58-related conditions. Experimental studies and prediction algorithms are not available or were not evaluated, and the functional significance of this variant is currently unknown. In summary, the available evidence is currently insufficient to determine the role of this variant in disease. Therefore, it has been classified as a Variant of Uncertain Significance.